The following is an entry in ClinVar:

NM_004371.4(COPA):c.2373T>G (p.Asn791Lys)

Gene: COPA (coat protein complex I subunit alpha; minus strand). Cytogenetic location: 1q23.2.
Variant type: single nucleotide variant.
Coding change: c.2373T>G on transcript NM_004371.4 (MANE Select); coding-DNA position 2373, T replaced by G.
Protein change: p.Asn791Lys; replaces asparagine 791 with lysine.
Molecular consequence: missense variant.
Genome position (GRCh38, 1-based): chr1:160,295,839, A>C on the plus strand (T>G on the coding strand, the complement: COPA is on the minus strand). VCF-style: chr1-160295839-A-C. GRCh37 (hg19) VCF-style: chr1-160265629-A-C.
Other names: c.2400T>G, p.Asn800Lys (NM_001098398.2); c.2373T>G (NM_004371.3); c.2400T>G (NM_001098398.1); short protein forms N800K, N791K.
Identifiers: ClinVar variation 1504150 (VCV001504150.12), dbSNP rs1214197748, ClinGen allele CA343276394.

ClinVar aggregate classification (germline): Conflicting classifications of pathogenicity. Review status: criteria provided, conflicting classifications (1 of 4 stars). 4 submissions from 4 submitters: Uncertain significance (2); Likely benign (1). 1 of the submissions does not count toward it. Last evaluated 2026-04-07.

Conditions:
Inborn genetic diseases. Identifiers: MedGen C0950123, MeSH D030342.
Autoimmune interstitial lung disease-arthritis syndrome. Also called: Autoinflammation and autoimmunity, systemic, with immune dysregulation. Identifiers: Orphanet 444092, MedGen C5975714, MONDO:0014629.
COPA-related disorder. Also called: COPA-related condition.

Allele frequency attached by ClinVar (database versions not stated): gnomAD exomes below 0.00001; gnomAD 0.00001.
gnomAD v4.1: 3 of 1,611,518 alleles (0.00019%); highest among the groups gnomAD compares: Admixed American, 0.0051%; no homozygotes.

Submissions (4):

Women's Health and Genetics/Laboratory Corporation of America, LabCorp
Classification: Uncertain significance. Last evaluated: 2026-04-07. Review status: criteria provided, single submitter. Criteria: LabCorp Variant Classification Summary - May 2015. Collection method: clinical testing. Allele origin: germline.

Ambry Genetics
Classification: Uncertain significance for Inborn genetic diseases. Last evaluated: 2025-08-26. Review status: criteria provided, single submitter. Criteria: Ambry Variant Classification Scheme 2023. Collection method: clinical testing. Allele origin: germline.

Labcorp Genetics (formerly Invitae), Labcorp
Classification: Likely benign for Autoimmune interstitial lung disease-arthritis syndrome. Last evaluated: 2024-05-07. Review status: criteria provided, single submitter. Criteria: Invitae Variant Classification Sherloc (09022015). Collection method: clinical testing. Allele origin: germline.

PreventionGenetics, part of Exact Sciences
Classification: Uncertain significance for COPA-related condition. Last evaluated: 2024-01-04. Review status: no assertion criteria provided. Collection method: clinical testing. Allele origin: germline. Not counted in ClinVar's aggregate classification.
Comment: The COPA c.2373T>G variant is predicted to result in the amino acid substitution p.Asn791Lys. To our knowledge, this variant has not been reported in the literature. This variant is reported in 0.0030% of alleles in individuals of Latino descent in gnomAD. At this time, the clinical significance of this variant is uncertain due to the absence of conclusive functional and genetic evidence.